The following is an entry in ClinVar:

NM_000051.4(ATM):c.582del (p.Thr195fs)

Gene: ATM (ATM serine/threonine kinase; plus strand). Cytogenetic location: 11q22.3.
Variant type: Deletion.
Coding change: c.582del on transcript NM_000051.4 (MANE Select); coding-DNA position 582, one base deleted (T; older notation c.582delT).
Protein change: p.Thr195fs; shifts the reading frame from threonine 195.
Molecular consequence: frameshift variant.
Genome position (GRCh38, 1-based): chr11:108,244,038, T deleted; the last of 2 consecutive T bases (chr11:108,244,037-108,244,038); deleting either gives the same sequence. VCF-style (leftmost placement, unchanged base first): chr11-108244036-GT-G. GRCh37 (hg19) VCF-style: chr11-108114763-GT-G.
Other names: c.582del, p.Thr195fs (NM_001351834.2); short protein forms T195fs.
Identifiers: ClinVar variation 3904698 (VCV003904698.1).

ClinVar aggregate classification (germline): Pathogenic (1 of 4 stars; one submission).

Conditions:
Familial cancer of breast. Also called: Hereditary breast cancer; hereditary breast carcinoma; BREAST CANCER, FAMILIAL. Identifiers: Orphanet 227535, MedGen C0346153, MONDO:0016419, OMIM 114480. Disease mechanism: loss of function.

Submission:

Myriad Genetics, Inc.
Classification: Pathogenic for Familial cancer of breast. Last evaluated: 2025-01-08. Review status: criteria provided, single submitter. Criteria: Myriad Autosomal Dominant, Autosomal Recessive and X-Linked Classification Criteria (2023). Collection method: clinical testing. Allele origin: unknown.
Comment: This variant is considered pathogenic. This variant creates a frameshift predicted to result in premature protein truncation.